The following is an entry in ClinVar:

ClinVar aggregate classification (germline): Conflicting classifications of pathogenicity. Review status: criteria provided, conflicting classifications (1 of 4 stars). 2 submissions from 2 submitters: Uncertain significance (1); Likely benign (1). Last evaluated 2024-01-19.

Conditions:
Hereditary spastic paraplegia 7 (SPG7). Also called: SPASTIC PARAPLEGIA 7, AUTOSOMAL RECESSIVE, WITH OR WITHOUT CEREBELLAR ATAXIA; Spastic paraplegia 7; Hereditary spastic paraplegia Paraplegin type; Autosomal recessive spastic paraplegia type 7; SPG7-related neurologic disorder. Identifiers: Orphanet 99013, MedGen C1846564, MONDO:0011803, OMIM 607259.

gnomAD v4.1: 2 of 1,614,166 alleles (0.00012%); highest among the groups gnomAD compares: Non-Finnish European, 0.00017%; no homozygotes.

Submissions (2):

GeneDx
Classification: Uncertain significance. Last evaluated: 2024-01-19. Review status: criteria provided, single submitter. Criteria: GeneDx Variant Classification Process June 2021. Collection method: clinical testing. Allele origin: germline. Affected: yes.
Comment: Not observed at significant frequency in large population cohorts (gnomAD); In silico analysis supports that this variant does not alter splicing; Has not been previously published as pathogenic or benign to our knowledge

Labcorp Genetics (formerly Invitae), Labcorp
Classification: Likely benign for Hereditary spastic paraplegia 7. Last evaluated: 2021-03-23. Review status: criteria provided, single submitter. Criteria: Invitae Variant Classification Sherloc (09022015). Collection method: clinical testing. Allele origin: germline.

NM_003119.4(SPG7):c.697C>T (p.Leu233=)

Gene: SPG7 (SPG7 matrix AAA peptidase subunit, paraplegin; plus strand). Cytogenetic location: 16q24.3.
Variant type: single nucleotide variant.
Coding change: c.697C>T on transcript NM_003119.4 (MANE Select); coding-DNA position 697, C replaced by T.
Protein change: p.Leu233=; no amino-acid change (leucine 233 retained).
Molecular consequence: synonymous variant.
Genome position (GRCh38, 1-based): chr16:89,526,407, C>T. VCF-style: chr16-89526407-C-T. GRCh37 (hg19) VCF-style: chr16-89592815-C-T.
Other names: c.697C>T (NM_003119.2); c.697C>T, p.Leu233= (NM_001363850.1, NM_199367.3).
Identifiers: ClinVar variation 1648521 (VCV001648521.9), dbSNP rs751353500, ClinGen allele CA497175155.